The following is an entry in ClinVar:

NM_018163.3(DNAJC17):c.817_819del (p.Tyr273del)

Gene: DNAJC17 (DnaJ heat shock protein family (Hsp40) member C17; minus strand). Cytogenetic location: 15q15.1.
Variant type: Deletion.
Coding change: c.817_819del on transcript NM_018163.3 (MANE Select); coding-DNA positions 817 to 819, 3 bases deleted (TAC; older notation c.817_819delTAC).
Protein change: p.Tyr273del; deletes tyrosine 273.
Molecular consequence: inframe deletion.
Genome position (GRCh38, 1-based): chr15:40,768,036-40,768,038, GTA deleted on the plus strand (TAC on the coding strand, the reverse complement: DNAJC17 is on the minus strand); deleting any 3 consecutive bases within chr15:40,768,036-40,768,040 gives the same sequence; the c. name uses the placement nearest the transcript's 3' end. VCF-style (leftmost placement, unchanged base first): chr15-40768035-CGTA-C. GRCh37 (hg19) VCF-style: chr15-41060233-CGTA-C.
Other names: short protein forms Y273del.
Identifiers: ClinVar variation 2868358 (VCV002868358.3), dbSNP rs1293152707, ClinGen allele CA712776271.
Genomic context (GRCh38, chr15:40,768,035, plus strand): 5'-TCCGTGCGATCAGCTGTTGCCGCTCGGCCGCCTGGCGCATGCGCATCATGACGAGGCTCT[CGTA>C]GTCCCTCTCTGACAGCACTGAGCCCTGTCGGACAGGGCAGGGACAGGGAGGGGTCAGGGA-3'

ClinVar aggregate classification (germline): Uncertain significance (1 of 4 stars; one submission).

Submission:

Labcorp Genetics (formerly Invitae), Labcorp
Classification: Uncertain significance. Last evaluated: 2024-01-06. Review status: criteria provided, single submitter. Criteria: Invitae Variant Classification Sherloc (09022015). Collection method: clinical testing. Allele origin: germline.
Comment: This variant, c.817_819del, results in the deletion of 1 amino acid(s) of the DNAJC17 protein (p.Tyr273del), but otherwise preserves the integrity of the reading frame. This variant is not present in population databases (gnomAD no frequency). This variant has not been reported in the literature in individuals affected with DNAJC17-related conditions. Experimental studies and prediction algorithms are not available or were not evaluated, and the functional significance of this variant is currently unknown. In summary, the available evidence is currently insufficient to determine the role of this variant in disease. Therefore, it has been classified as a Variant of Uncertain Significance.